The following is an entry in ClinVar:

NM_005144.5(HR):c.3113T>C (p.Leu1038Pro)

Gene: HR (HR lysine demethylase and nuclear receptor corepressor; minus strand). Cytogenetic location: 8p21.3.
Variant type: single nucleotide variant.
Coding change: c.3113T>C on transcript NM_005144.5 (MANE Select); coding-DNA position 3113, T replaced by C.
Protein change: p.Leu1038Pro; replaces leucine 1038 with proline.
Molecular consequence: missense variant.
Genome position (GRCh38, 1-based): chr8:22,119,050, A>G on the plus strand (T>C on the coding strand, the complement: HR is on the minus strand). VCF-style: chr8-22119050-A-G. GRCh37 (hg19) VCF-style: chr8-21976563-A-G.
Other names: c.3113T>C, p.Leu1038Pro (NM_018411.4); short protein forms L1038P.
Identifiers: ClinVar variation 4704215 (VCV004704215.1).

ClinVar aggregate classification (germline): Uncertain significance (1 of 4 stars; one submission).

Submission:

Labcorp Genetics (formerly Invitae), Labcorp
Classification: Uncertain significance. Last evaluated: 2025-12-03. Review status: criteria provided, single submitter. Criteria: Invitae Variant Classification Sherloc (09022015). Collection method: clinical testing. Allele origin: germline.
Comment: This sequence change replaces leucine, which is neutral and non-polar, with proline, which is neutral and non-polar, at codon 1038 of the HR protein (p.Leu1038Pro). This variant is not present in population databases (gnomAD no frequency). This variant has not been reported in the literature in individuals affected with HR-related conditions. An algorithm developed to predict the effect of missense changes on protein structure and function (PolyPhen-2) suggests that this variant is likely to be disruptive. In summary, the available evidence is currently insufficient to determine the role of this variant in disease. Therefore, it has been classified as a Variant of Uncertain Significance.